The following is an entry in ClinVar:

NM_031935.3(HMCN1):c.13769C>T (p.Ser4590Leu)

Gene: HMCN1 (hemicentin 1; plus strand). Cytogenetic location: 1q31.1.
Variant type: single nucleotide variant.
Coding change: c.13769C>T on transcript NM_031935.3 (MANE Select); coding-DNA position 13769, C replaced by T.
Protein change: p.Ser4590Leu; replaces serine 4590 with leucine.
Molecular consequence: missense variant.
Genome position (GRCh38, 1-based): chr1:186,137,817, C>T. VCF-style: chr1-186137817-C-T. GRCh37 (hg19) VCF-style: chr1-186106949-C-T.
Other names: c.13769C>T (NM_031935.2); short protein forms S4590L.
Identifiers: ClinVar variation 2038899 (VCV002038899.5), dbSNP rs771682952, ClinGen allele CA1294756.

ClinVar aggregate classification (germline): Uncertain significance. Review status: criteria provided, multiple submitters, no conflicts (2 of 4 stars). 2 submissions from 2 submitters: Uncertain significance (2). Last evaluated 2025-01-01.

Allele frequency attached by ClinVar (database versions not stated): gnomAD 0.00007; ExAC 0.00010; gnomAD exomes 0.00002; TOPMed 0.00005.
gnomAD v4.1: 39 of 1,613,946 alleles (0.0024%); highest among the groups gnomAD compares: Admixed American, 0.013%; no homozygotes.

Submissions (2):

Ambry Genetics
Classification: Uncertain significance. Last evaluated: 2025-01-01. Review status: criteria provided, single submitter. Criteria: Ambry Variant Classification Scheme 2023. Collection method: clinical testing. Allele origin: germline.

Labcorp Genetics (formerly Invitae), Labcorp
Classification: Uncertain significance. Last evaluated: 2024-08-14. Review status: criteria provided, single submitter. Criteria: Invitae Variant Classification Sherloc (09022015). Collection method: clinical testing. Allele origin: germline.
Comment: This sequence change replaces serine, which is neutral and polar, with leucine, which is neutral and non-polar, at codon 4590 of the HMCN1 protein (p.Ser4590Leu). This variant is present in population databases (rs771682952, gnomAD 0.03%). This variant has not been reported in the literature in individuals affected with HMCN1-related conditions. ClinVar contains an entry for this variant (Variation ID: 2038899). An algorithm developed to predict the effect of missense changes on protein structure and function (PolyPhen-2) suggests that this variant is likely to be disruptive. Algorithms developed to predict the effect of sequence changes on RNA splicing suggest that this variant may disrupt the consensus splice site. In summary, the available evidence is currently insufficient to determine the role of this variant in disease. Therefore, it has been classified as a Variant of Uncertain Significance.